The following is an entry in ClinVar:

ClinVar aggregate classification (germline): Benign/Likely benign. Review status: criteria provided, multiple submitters, no conflicts (2 of 4 stars). 3 submissions from 3 submitters: Benign (1); Likely benign (2). Last evaluated 2026-06-01.

Allele frequency attached by ClinVar (database versions not stated): gnomAD 0.00003; TOPMed 0.00005.
gnomAD v4.1: 109 of 1,612,624 alleles (0.0068%); highest among the groups gnomAD compares: South Asian, 0.078%; 2 homozygotes.

Submissions (3):

CeGaT Center for Human Genetics Tuebingen
Classification: Likely benign. Last evaluated: 2026-06-01. Review status: criteria provided, single submitter. Criteria: CeGaT Center For Human Genetics Tuebingen Variant Classification Criteria Version 2. Collection method: clinical testing. Allele origin: germline. Affected: yes. Observed: 1 variant allele.
Comment: ITPR1: BP4, BP7

Labcorp Genetics (formerly Invitae), Labcorp
Classification: Likely benign. Last evaluated: 2025-05-17. Review status: criteria provided, single submitter. Criteria: Invitae Variant Classification Sherloc (09022015). Collection method: clinical testing. Allele origin: germline.

Athena Diagnostics
Classification: Benign. Last evaluated: 2017-03-15. Review status: criteria provided, single submitter. Criteria: Athena Diagnostics Criteria. Collection method: clinical testing. Allele origin: germline.

NM_001378452.1(ITPR1):c.2733G>A (p.Ala911=)

Gene: ITPR1 (inositol 1,4,5-trisphosphate receptor type 1; plus strand). Cytogenetic location: 3p26.1.
Variant type: single nucleotide variant.
Coding change: c.2733G>A on transcript NM_001378452.1 (MANE Select); coding-DNA position 2733, G replaced by A.
Protein change: p.Ala911=; no amino-acid change (alanine 911 retained).
Molecular consequence: synonymous variant.
Genome position (GRCh38, 1-based): chr3:4,675,202, G>A. VCF-style: chr3-4675202-G-A. GRCh37 (hg19) VCF-style: chr3-4716886-G-A.
Other names: c.2733G>A, p.Ala911= (NM_001099952.4); c.2688G>A, p.Ala896= (NM_001168272.2, NM_002222.7).
Identifiers: ClinVar variation 447582 (VCV000447582.12), dbSNP rs562572079, ClinGen allele CA2231487.